The following is an entry in ClinVar:

NM_002519.3(NPAT):c.1386A>T (p.Glu462Asp)

Gene: NPAT (nuclear protein, coactivator of histone transcription; minus strand). Cytogenetic location: 11q22.3.
Variant type: single nucleotide variant.
Coding change: c.1386A>T on transcript NM_002519.3 (MANE Select); coding-DNA position 1386, A replaced by T.
Protein change: p.Glu462Asp; replaces glutamic acid 462 with aspartic acid.
Molecular consequence: missense variant.
Genome position (GRCh38, 1-based): chr11:108,173,598, T>A on the plus strand (A>T on the coding strand, the complement: NPAT is on the minus strand). VCF-style: chr11-108173598-T-A. GRCh37 (hg19) VCF-style: chr11-108044325-T-A.
Other names: c.1386A>T, p.Glu462Asp (NM_001321307.1); short protein forms E462D.
Identifiers: ClinVar variation 1771398 (VCV001771398.2), dbSNP rs747610386, ClinGen allele CA382515415.

ClinVar aggregate classification (germline): Uncertain significance (1 of 4 stars; one submission).

gnomAD v4.1: 3 of 1,614,098 alleles (0.00019%); highest among the groups gnomAD compares: African/African-American, 0.004%; no homozygotes.

Submission:

Ambry Genetics
Classification: Uncertain significance. Last evaluated: 2024-01-24. Review status: criteria provided, single submitter. Criteria: Ambry Variant Classification Scheme 2023. Collection method: clinical testing. Allele origin: germline.
Comment: The p.E462D variant (also known as c.1386A>T), located in coding exon 13 of the NPAT gene, results from an A to T substitution at nucleotide position 1386. The glutamic acid at codon 462 is replaced by aspartic acid, an amino acid with highly similar properties. This amino acid position is conserved. In addition, this alteration is predicted to be tolerated by in silico analysis. Since supporting evidence is limited at this time, the clinical significance of this alteration remains unclear.